The following is an entry in ClinVar:

NM_001999.4(FBN2):c.6131C>T (p.Pro2044Leu)

Gene: FBN2 (fibrillin 2; minus strand). Cytogenetic location: 5q23.3.
Variant type: single nucleotide variant.
Coding change: c.6131C>T on transcript NM_001999.4 (MANE Select); coding-DNA position 6131, C replaced by T.
Protein change: p.Pro2044Leu; replaces proline 2044 with leucine.
Molecular consequence: missense variant.
Genome position (GRCh38, 1-based): chr5:128,300,852, G>A on the plus strand (C>T on the coding strand, the complement: FBN2 is on the minus strand). VCF-style: chr5-128300852-G-A. GRCh37 (hg19) VCF-style: chr5-127636544-G-A.
Other names: short protein forms P2044L.
Identifiers: ClinVar variation 2738505 (VCV002738505.3), dbSNP rs1379280269, ClinGen allele CA360766301.
Genomic context (GRCh38, chr5:128,300,852, plus strand): 5'-GCCTCAGAATAAATGTTACTCTTACCAATGCAGTTCTCGCTTTTTACTTCATACCCTGGG[G>A]GACAGATGCATCTGAAGGATCCCTCCAAATTCTGACAGGTACCAGGAGAGCAAGAGCCGG-3'
Protein context (NP_001990.2, residues 2034-2054): NLEGSFRCIC[Pro2044Leu]PGYEVKSENC

ClinVar aggregate classification (germline): Uncertain significance (1 of 4 stars; one submission).

Conditions:
Congenital contractural arachnodactyly (CCA). Also called: Beals-Hecht syndrome; Arthrogryposis, distal, type 9; BEALS SYNDROME. Identifiers: Orphanet 115, MedGen C0220668, MONDO:0007363, OMIM 121050.

Allele frequency attached by ClinVar (database versions not stated): gnomAD exomes below 0.00001; gnomAD 0.00001; TOPMed 0.00001.
gnomAD v4.1: 2 of 1,613,794 alleles (0.00012%); highest among the groups gnomAD compares: Non-Finnish European, 0.00017%; no homozygotes.

Submission:

Labcorp Genetics (formerly Invitae), Labcorp
Classification: Uncertain significance for Congenital contractural arachnodactyly. Last evaluated: 2023-08-27. Review status: criteria provided, single submitter. Criteria: Invitae Variant Classification Sherloc (09022015). Collection method: clinical testing. Allele origin: germline.
Comment: In summary, the available evidence is currently insufficient to determine the role of this variant in disease. Therefore, it has been classified as a Variant of Uncertain Significance. Advanced modeling of protein sequence and biophysical properties (such as structural, functional, and spatial information, amino acid conservation, physicochemical variation, residue mobility, and thermodynamic stability) performed at Invitae indicates that this missense variant is not expected to disrupt FBN2 protein function. This variant has not been reported in the literature in individuals affected with FBN2-related conditions. This variant is not present in population databases (gnomAD no frequency). This sequence change replaces proline, which is neutral and non-polar, with leucine, which is neutral and non-polar, at codon 2044 of the FBN2 protein (p.Pro2044Leu).